The following is an entry in ClinVar:

ClinVar aggregate classification (germline): Conflicting classifications of pathogenicity. Review status: criteria provided, conflicting classifications (1 of 4 stars). 6 submissions from 6 submitters: Uncertain significance (3); Likely benign (3). Last evaluated 2026-03-17.

Conditions:
Retinitis pigmentosa (RP). Identifiers: Orphanet 791, MedGen C0035334, MeSH D012174, MONDO:0019200, OMIM 268000. Inheritance: Autosomal dominant, autosomal recessive and X linked inheritance.
PDE6A-related disorder. Also called: PDE6A-related condition.
Retinal dystrophy. Also called: Inherited retinal dystrophy. Identifiers: Orphanet 71862, MedGen C0854723, MeSH D058499, MONDO:0019118, HP:0000556.

Allele frequency attached by ClinVar (database versions not stated): gnomAD 0.00004 and 0.00007; gnomAD exomes 0.00005 and 0.00016; TOPMed 0.00006; ExAC 0.00014; 1000 Genomes Project 0.00020; 1000 Genomes Project 30x 0.00047.
gnomAD v4.1: 75 of 1,613,390 alleles (0.0046%); highest among the groups gnomAD compares: East Asian, 0.16%; no homozygotes.

Submissions (6):

PreventionGenetics, part of Exact Sciences
Classification: Likely benign for PDE6A-related condition. Last evaluated: 2026-03-17. Review status: criteria provided, single submitter. Criteria: ACMG Guidelines, 2015. Collection method: clinical testing. Allele origin: germline.
Comment: This variant is classified as likely benign based on ACMG/AMP sequence variant interpretation guidelines (Richards et al. 2015 PMID: 25741868, with internal and published modifications).

Labcorp Genetics (formerly Invitae), Labcorp
Classification: Likely benign. Last evaluated: 2025-11-27. Review status: criteria provided, single submitter. Criteria: Invitae Variant Classification Sherloc (09022015). Collection method: clinical testing. Allele origin: germline.

Blueprint Genetics
Classification: Likely benign. Last evaluated: 2024-11-20. Review status: criteria provided, single submitter. Criteria: ACMG Guidelines, 2015. Collection method: clinical testing. Allele origin: germline.

Dept Of Ophthalmology, Nagoya University
Classification: Uncertain significance for Retinal dystrophy. Last evaluated: 2023-10-01. Review status: criteria provided, single submitter. Criteria: Submitter's publication. Collection method: research. Allele origin: germline. Affected: yes.

Illumina Laboratory Services, Illumina
Classification: Uncertain significance for Retinitis pigmentosa. Last evaluated: 2018-01-12. Review status: criteria provided, single submitter. Criteria: ICSL Variant Classification Criteria 13 December 2019. Collection method: clinical testing. Allele origin: germline.

Eurofins Ntd Llc (ga)
Classification: Uncertain significance. Last evaluated: 2016-08-08. Review status: criteria provided, single submitter. Criteria: EGL Classification Definitions 2015. Collection method: clinical testing. Allele origin: germline. Observed: 1 variant allele, 1 heterozygote.

NM_000440.3(PDE6A):c.1349T>C (p.Phe450Ser)

Gene: PDE6A (phosphodiesterase 6A; minus strand). Cytogenetic location: 5q32.
Variant type: single nucleotide variant.
Coding change: c.1349T>C on transcript NM_000440.3 (MANE Select); coding-DNA position 1349, T replaced by C.
Protein change: p.Phe450Ser; replaces phenylalanine 450 with serine.
Molecular consequence: missense variant.
Genome position (GRCh38, 1-based): chr5:149,898,421, A>G on the plus strand (T>C on the coding strand, the complement: PDE6A is on the minus strand). VCF-style: chr5-149898421-A-G. GRCh37 (hg19) VCF-style: chr5-149277984-A-G.
Other names: short protein forms F450S.
Identifiers: ClinVar variation 289315 (VCV000289315.13), dbSNP rs185588836, ClinGen allele CA3504723.